The following is an entry in ClinVar:

NM_001164508.2(NEB):c.6572del (p.Lys2191fs)

Gene: NEB (nebulin; minus strand). Cytogenetic location: 2q23.3.
Variant type: Deletion.
Coding change: c.6572del on transcript NM_001164508.2 (MANE Select); coding-DNA position 6572, one base deleted (A; older notation c.6572delA).
Protein change: p.Lys2191fs; shifts the reading frame from lysine 2191.
Molecular consequence: frameshift variant.
Genome position (GRCh38, 1-based): chr2:151,655,947, T deleted on the plus strand (A on the coding strand, the reverse complement: NEB is on the minus strand); the first of 2 consecutive T bases (chr2:151,655,947-151,655,948); deleting either gives the same sequence. VCF-style (leftmost placement, unchanged base first): chr2-151655946-CT-C. GRCh37 (hg19) VCF-style: chr2-152512460-CT-C.
Other names: c.6572del, p.Lys2191fs (NM_001164507.2, NM_001271208.2, NM_004543.5); short protein forms K2191fs.
Identifiers: ClinVar variation 2824630 (VCV002824630.3), dbSNP rs2552252667, ClinGen allele CA2739271410.
Genomic context (GRCh38, chr2:151,655,946, plus strand): 5'-GAAGTTGCTCGGGTGCTGGCGGTATTTCTGATCACTGGCATATTCAGTTGCTTTCTTGGC[CT>C]TCTCCACTTCCAGAGAACCTGCTGGACTCCAGCCAAGCCCTTTGTACCATTCATTGTAAT-3'

ClinVar aggregate classification (germline): Pathogenic (1 of 4 stars; one submission).

Conditions:
Nemaline myopathy 2 (NEM2). Also called: Nemaline myopathy 2, autosomal recessive. Identifiers: MedGen C1850569, MONDO:0009725, OMIM 256030.

Submission:

Labcorp Genetics (formerly Invitae), Labcorp
Classification: Pathogenic for Nemaline myopathy 2. Last evaluated: 2022-12-28. Review status: criteria provided, single submitter. Criteria: Invitae Variant Classification Sherloc (09022015). Collection method: clinical testing. Allele origin: germline.
Comment: For these reasons, this variant has been classified as Pathogenic. This variant has not been reported in the literature in individuals affected with NEB-related conditions. This variant is not present in population databases (gnomAD no frequency). This sequence change creates a premature translational stop signal (p.Lys2191Argfs*26) in the NEB gene. It is expected to result in an absent or disrupted protein product. Loss-of-function variants in NEB are known to be pathogenic (PMID: 25205138).

Literature cited by the submitters: PubMed 25205138.